The following is an entry in ClinVar:

ClinVar aggregate classification (germline): Pathogenic (1 of 4 stars; one submission).

Submission:

Labcorp Genetics (formerly Invitae), Labcorp
Classification: Pathogenic. Last evaluated: 2022-08-21. Review status: criteria provided, single submitter. Criteria: Invitae Variant Classification Sherloc (09022015). Collection method: clinical testing. Allele origin: germline.
Comment: This sequence change affects a donor splice site in intron 5 of the PROM1 gene. It is expected to disrupt RNA splicing. Variants that disrupt the donor or acceptor splice site typically lead to a loss of protein function (PMID: 16199547), and loss-of-function variants in PROM1 are known to be pathogenic (PMID: 17605048, 19718270, 24154662, 25474345). This variant is not present in population databases (gnomAD no frequency). Disruption of this splice site has been observed in individual(s) with cone-rod dystrophy (PMID: 31129250). In at least one individual the data is consistent with being in trans (on the opposite chromosome) from a pathogenic variant. Algorithms developed to predict the effect of sequence changes on RNA splicing suggest that this variant may disrupt the consensus splice site. For these reasons, this variant has been classified as Pathogenic.

Literature cited by the submitters: PubMed 16199547; PubMed 17605048; PubMed 19718270; PubMed 24154662; PubMed 25474345; PubMed 31129250.

NM_006017.3(PROM1):c.630+1G>A

Gene: PROM1 (prominin 1; minus strand). Cytogenetic location: 4p15.32.
Variant type: single nucleotide variant.
Coding change: c.630+1G>A on transcript NM_006017.3 (MANE Select); the canonical splice donor site of the intron after coding-DNA position 630, G replaced by A.
Molecular consequence: splice donor variant.
Genome position (GRCh38, 1-based): chr4:16,025,191, C>T on the plus strand (G>A on the coding strand, the complement: PROM1 is on the minus strand). VCF-style: chr4-16025191-C-T. GRCh37 (hg19) VCF-style: chr4-16026814-C-T.
Other names: c.603+1G>A (NM_001145848.2, NM_001145852.2, NM_001145847.2 and 4 more transcripts); c.630+1G>A (NM_001145850.2, NM_001145849.2).
Identifiers: ClinVar variation 2418918 (VCV002418918.7), dbSNP rs2530614365, ClinGen allele CA356424432.
Genomic context (GRCh38, chr4:16,025,191, plus strand): 5'-CAGGAACTCCAAAAAACCAAAAATATAAAGCATCGCGGTACATAGAGATGATGGTTTTTA[C>T]CTCTGGAGTTTCATTCAAGAGAGTTCGCAAGTCCTTGAAATTGCTATCTGCCAGTTTCCG-3'